The following is an entry in ClinVar:

NM_001613.4(ACTA2):c.41A>G (p.Asn14Ser)

Gene: ACTA2 (actin alpha 2, smooth muscle; minus strand). Cytogenetic location: 10q23.31.
Variant type: single nucleotide variant.
Coding change: c.41A>G on transcript NM_001613.4 (MANE Select); coding-DNA position 41, A replaced by G.
Protein change: p.Asn14Ser; replaces asparagine 14 with serine.
Molecular consequence: missense variant.
Genome position (GRCh38, 1-based): chr10:88,948,890, T>C on the plus strand (A>G on the coding strand, the complement: ACTA2 is on the minus strand). VCF-style: chr10-88948890-T-C. GRCh37 (hg19) VCF-style: chr10-90708647-T-C.
Other names: c.41A>G, p.Asn14Ser (NM_001141945.3, NM_001320855.2, NM_001406462.1 and 7 more transcripts); short protein forms N14S.
Identifiers: ClinVar variation 3665544 (VCV003665544.2).

ClinVar aggregate classification (germline): Uncertain significance (1 of 4 stars; one submission).

Conditions:
Aortic aneurysm, familial thoracic 6 (AAT6). Also called: FAMILIAL THORACIC AORTIC ANEURYSM WITH LIVEDO RETICULARIS AND IRIS FLOCCULI. Identifiers: MedGen C2673186, MONDO:0012730, OMIM 611788.

Submission:

Labcorp Genetics (formerly Invitae), Labcorp
Classification: Uncertain significance for Aortic aneurysm, familial thoracic 6. Last evaluated: 2024-08-01. Review status: criteria provided, single submitter. Criteria: Invitae Variant Classification Sherloc (09022015). Collection method: clinical testing. Allele origin: germline.
Comment: This sequence change replaces asparagine, which is neutral and polar, with serine, which is neutral and polar, at codon 14 of the ACTA2 protein (p.Asn14Ser). This variant is not present in population databases (gnomAD no frequency). This variant has not been reported in the literature in individuals affected with ACTA2-related conditions. Advanced modeling of protein sequence and biophysical properties (such as structural, functional, and spatial information, amino acid conservation, physicochemical variation, residue mobility, and thermodynamic stability) performed at Invitae indicates that this missense variant is not expected to disrupt ACTA2 protein function with a negative predictive value of 80%. In summary, the available evidence is currently insufficient to determine the role of this variant in disease. Therefore, it has been classified as a Variant of Uncertain Significance.